The following is an entry in ClinVar:

ClinVar aggregate classification (germline): Uncertain significance. Review status: criteria provided, multiple submitters, no conflicts (2 of 4 stars). 3 submissions from 3 submitters: Uncertain significance (3). Last evaluated 2025-05-06.

Conditions:
Xanthinuria type II. Also called: Xanthine dehydrogenase and aldehyde oxidase combined deficiency of; XDH and AOX dual deficiency. Identifiers: Orphanet 3467, Orphanet 93602, MedGen C1863688, MONDO:0011346, OMIM 603592.
Inborn genetic diseases. Identifiers: MedGen C0950123, MeSH D030342.
Hereditary xanthinuria type 1 (XAN1). Identifiers: Orphanet 3467, Orphanet 93601, MedGen C0268118, MONDO:0010209, OMIM 278300.

Allele frequency attached by ClinVar (database versions not stated): gnomAD exomes 0.00001; ExAC 0.00002.
gnomAD v4.1: 12 of 1,614,030 alleles (0.00074%); highest among the groups gnomAD compares: Admixed American, 0.012%; no homozygotes.

Submissions (3):

Ambry Genetics
Classification: Uncertain significance for Inborn genetic diseases. Last evaluated: 2025-05-06. Review status: criteria provided, single submitter. Criteria: Ambry Variant Classification Scheme 2023. Collection method: clinical testing. Allele origin: germline.

Labcorp Genetics (formerly Invitae), Labcorp
Classification: Uncertain significance for Xanthinuria type II. Last evaluated: 2024-11-05. Review status: criteria provided, single submitter. Criteria: Invitae Variant Classification Sherloc (09022015). Collection method: clinical testing. Allele origin: germline.
Comment: This sequence change replaces arginine, which is basic and polar, with histidine, which is basic and polar, at codon 822 of the XDH protein (p.Arg822His). This variant is present in population databases (rs777041375, gnomAD 0.01%). This variant has not been reported in the literature in individuals affected with XDH-related conditions. ClinVar contains an entry for this variant (Variation ID: 2428066). An algorithm developed to predict the effect of missense changes on protein structure and function outputs the following: PolyPhen-2: "Benign". The histidine amino acid residue is found in multiple mammalian species, which suggests that this missense change does not adversely affect protein function. In summary, the available evidence is currently insufficient to determine the role of this variant in disease. Therefore, it has been classified as a Variant of Uncertain Significance.

Fulgent Genetics
Classification: Uncertain significance for Hereditary xanthinuria type 1. Last evaluated: 2024-06-19. Review status: criteria provided, single submitter. Criteria: ACMG Guidelines, 2015. Collection method: clinical testing. Allele origin: germline.

NM_000379.4(XDH):c.2465G>A (p.Arg822His)

Gene: XDH (xanthine dehydrogenase; minus strand). Cytogenetic location: 2p23.1.
Variant type: single nucleotide variant.
Coding change: c.2465G>A on transcript NM_000379.4 (MANE Select); coding-DNA position 2465, G replaced by A.
Protein change: p.Arg822His; replaces arginine 822 with histidine.
Molecular consequence: missense variant.
Genome position (GRCh38, 1-based): chr2:31,365,536, C>T on the plus strand (G>A on the coding strand, the complement: XDH is on the minus strand). VCF-style: chr2-31365536-C-T. GRCh37 (hg19) VCF-style: chr2-31588402-C-T.
Other names: c.2465G>A (NM_000379.3); short protein forms R822H.
Identifiers: ClinVar variation 2428066 (VCV002428066.8), dbSNP rs777041375, ClinGen allele CA1598801.
Genomic context (GRCh38, chr2:31,365,536, plus strand): 5'-GGATGTCTGCCACCAGTTATCAGCATGTCCTCATCACGGTCCAGCATGCATCGCACAGGG[C>T]GGCCGGTCCTGGGGGTTACCGACAGTGTTAGAAGCCTGTGAGCCTTCAACAGCAGCTCAG-3'
Protein context (NP_000370.2, residues 812-832): AVALAAYKTG[Arg822His]PVRCMLDRDE